The following is an entry in ClinVar:

NM_001130965.3(SUN1):c.695C>T (p.Ala232Val)

Gene: SUN1 (Sad1 and UNC84 domain containing 1; plus strand). Cytogenetic location: 7p22.3.
Variant type: single nucleotide variant.
Coding change: c.695C>T on transcript NM_001130965.3 (MANE Select); coding-DNA position 695, C replaced by T.
Protein change: p.Ala232Val; replaces alanine 232 with valine.
Molecular consequence: missense variant. On other transcripts: synonymous variant (2), non-coding transcript variant (3), intron variant (12).
Genome position (GRCh38, 1-based): chr7:851,420, C>T. VCF-style: chr7-851420-C-T. GRCh37 (hg19) VCF-style: chr7-891057-C-T.
Other names: c.695C>T, p.Ala232Val (NM_001367633.1, NM_001367634.1, NM_001367653.1 and 3 more transcripts); c.349C>T, p.Leu117= (NM_001367635.1); c.938C>T, p.Ala313Val (NM_001367636.1, NM_001367655.1, NM_001367666.1 and 1 more transcripts); c.806C>T, p.Ala269Val (NM_001367638.1, NM_001367664.1, NM_001367685.1 and 1 more transcripts); c.239C>T, p.Ala80Val (NM_001367639.1); c.977C>T, p.Ala326Val (NM_001367641.1, NM_001367682.1, NM_001367698.1); c.890C>T, p.Ala297Val (NM_001367643.1, NM_001367693.1, NM_001367697.1); c.629C>T, p.Ala210Val (NM_001367644.1, NM_001367680.1, NM_001367701.1); and 24 more; short protein forms A232V, A241V, A247V, A297V, A206V, A210V, A219V, A248V.
Identifiers: ClinVar variation 950988 (VCV000950988.9), dbSNP rs181988140, ClinGen allele CA4111886.

ClinVar aggregate classification (germline): Uncertain significance. Review status: criteria provided, multiple submitters, no conflicts (2 of 4 stars). 2 submissions from 2 submitters: Uncertain significance (2). Last evaluated 2025-06-10.

Conditions:
Emery-Dreifuss muscular dystrophy (EDMD). Also called: Scapuloperoneal syndrome, X-linked (formerly); Humeroperoneal neuromuscular disease, (formerly). Identifiers: Orphanet 261, MedGen C0410189, MONDO:0016830.

Allele frequency attached by ClinVar (database versions not stated): gnomAD exomes 0.00003 and 0.00004; ExAC 0.00006; 1000 Genomes Project 30x 0.00016; gnomAD 0.00017; TOPMed 0.00017; 1000 Genomes Project 0.00020.
gnomAD v4.1: 75 of 1,610,108 alleles (0.0047%); highest among the groups gnomAD compares: African/African-American, 0.071%; no homozygotes.

Submissions (2):

Labcorp Genetics (formerly Invitae), Labcorp
Classification: Uncertain significance for Emery-Dreifuss muscular dystrophy. Last evaluated: 2025-06-10. Review status: criteria provided, single submitter. Criteria: Invitae Variant Classification Sherloc (09022015). Collection method: clinical testing. Allele origin: germline.
Comment: This sequence change replaces alanine, which is neutral and non-polar, with valine, which is neutral and non-polar, at codon 232 of the SUN1 protein (p.Ala232Val). This variant is present in population databases (rs181988140, gnomAD 0.06%), and has an allele count higher than expected for a pathogenic variant. This variant has not been reported in the literature in individuals affected with SUN1-related conditions. ClinVar contains an entry for this variant (Variation ID: 950988). An algorithm developed to predict the effect of missense changes on protein structure and function (PolyPhen-2) suggests that this variant is likely to be disruptive. In summary, the available evidence is currently insufficient to determine the role of this variant in disease. Therefore, it has been classified as a Variant of Uncertain Significance.

Ambry Genetics
Classification: Uncertain significance. Last evaluated: 2024-05-29. Review status: criteria provided, single submitter. Criteria: Ambry Variant Classification Scheme 2023. Collection method: clinical testing. Allele origin: germline.